The following is an entry in ClinVar:

ClinVar aggregate classification (germline): Uncertain significance. Review status: criteria provided, multiple submitters, no conflicts (2 of 4 stars). 2 submissions from 2 submitters: Uncertain significance (2). Last evaluated 2025-08-03.

Conditions:
Agammaglobulinemia 2, autosomal recessive (AGM2). Also called: AGAMMAGLOBULINEMIA, AUTOSOMAL RECESSIVE, DUE TO IGLL1 DEFECT. Identifiers: MedGen C3150750, MONDO:0013287, OMIM 613500.

Allele frequency attached by ClinVar (database versions not stated): ExAC 0.00001.

Submissions (2):

Ambry Genetics
Classification: Uncertain significance. Last evaluated: 2025-08-03. Review status: criteria provided, single submitter. Criteria: Ambry Variant Classification Scheme 2023. Collection method: clinical testing. Allele origin: germline.

Labcorp Genetics (formerly Invitae), Labcorp
Classification: Uncertain significance for Agammaglobulinemia 2, autosomal recessive. Last evaluated: 2021-10-12. Review status: criteria provided, single submitter. Criteria: Invitae Variant Classification Sherloc (09022015). Collection method: clinical testing. Allele origin: germline.
Comment: This sequence change replaces proline with alanine at codon 80 of the IGLL1 protein (p.Pro80Ala). The proline residue is moderately conserved and there is a small physicochemical difference between proline and alanine. This variant is present in population databases (rs766027584, ExAC 0.001%). This variant has not been reported in the literature in individuals affected with IGLL1-related conditions. Algorithms developed to predict the effect of missense changes on protein structure and function (SIFT, PolyPhen-2, Align-GVGD) all suggest that this variant is likely to be tolerated. In summary, the available evidence is currently insufficient to determine the role of this variant in disease. Therefore, it has been classified as a Variant of Uncertain Significance.

NM_020070.4(IGLL1):c.238C>G (p.Pro80Ala)

Gene: IGLL1 (immunoglobulin lambda like polypeptide 1; minus strand). Cytogenetic location: 22q11.23.
Variant type: single nucleotide variant.
Coding change: c.238C>G on transcript NM_020070.4 (MANE Select); coding-DNA position 238, C replaced by G.
Protein change: p.Pro80Ala; replaces proline 80 with alanine.
Molecular consequence: missense variant. On other transcripts: intron variant (1).
Genome position (GRCh38, 1-based): chr22:23,575,051, G>C on the plus strand (C>G on the coding strand, the complement: IGLL1 is on the minus strand). VCF-style: chr22-23575051-G-C. GRCh37 (hg19) VCF-style: chr22-23917238-G-C.
Other names: c.241C>G, p.Pro81Ala (NM_001369906.1); c.207-1466C>G (NM_152855.3); c.238C>G (NM_020070.2); short protein forms P80A, P81A.
Identifiers: ClinVar variation 1346629 (VCV001346629.7), dbSNP rs766027584, ClinGen allele CA10143371.